The following is an entry in ClinVar:

NM_005589.4(ALDH6A1):c.731-12T>C

Genes: BBOF1 (basal body orientation factor 1; plus strand), ALDH6A1 (aldehyde dehydrogenase 6 family member A1; minus strand). Cytogenetic location: 14q24.3.
Variant type: single nucleotide variant.
Coding change: c.731-12T>C on transcript NM_005589.4 (MANE Select); 12 bases into the intron before coding-DNA position 731, T replaced by C.
Molecular consequence: intron variant.
Genome position (GRCh38, 1-based): chr14:74,068,993, A>G on the plus strand (T>C on the coding strand, the complement: ALDH6A1 is on the minus strand). VCF-style: chr14-74068993-A-G. GRCh37 (hg19) VCF-style: chr14-74535696-A-G.
Other names: c.692-12T>C (NM_001278593.2); c.269-12T>C (NM_001278594.2).
Identifiers: ClinVar variation 314177 (VCV000314177.14), dbSNP rs10146187, ClinGen allele CA7265784.

ClinVar aggregate classification (germline): Benign/Likely benign. Review status: criteria provided, multiple submitters, no conflicts (2 of 4 stars). 3 submissions from 3 submitters: Benign (2); Likely benign (1). Last evaluated 2026-01-24.

Conditions:
Methylmalonate semialdehyde dehydrogenase deficiency (MMSDHD). Also called: MMSDH DEFICIENCY. Identifiers: Orphanet 289307, MedGen C3279840, MONDO:0013579, OMIM 614105.

Allele frequency attached by ClinVar (database versions not stated): ESP Exome Variant Server 0.00961; gnomAD exomes 0.00088 and 0.00220; ExAC 0.00270; 1000 Genomes Project 0.00779; 1000 Genomes Project 30x 0.00781; gnomAD 0.00832 and 0.00912; TOPMed 0.00943.
gnomAD v4.1: 2,595 of 1,613,516 alleles (0.16%); highest among the groups gnomAD compares: African/African-American, 3%; 39 homozygotes.

Submissions (3):

Labcorp Genetics (formerly Invitae), Labcorp
Classification: Benign. Last evaluated: 2026-01-24. Review status: criteria provided, single submitter. Criteria: Invitae Variant Classification Sherloc (09022015). Collection method: clinical testing. Allele origin: germline.

Fulgent Genetics
Classification: Likely benign for Methylmalonate semialdehyde dehydrogenase deficiency. Last evaluated: 2021-10-08. Review status: criteria provided, single submitter. Criteria: ACMG Guidelines, 2015. Collection method: clinical testing. Allele origin: unknown.

Illumina Laboratory Services, Illumina
Classification: Benign for Methylmalonate semialdehyde dehydrogenase deficiency. Last evaluated: 2018-01-13. Review status: criteria provided, single submitter. Criteria: ICSL Variant Classification Criteria 13 December 2019. Collection method: clinical testing. Allele origin: germline.
Comment: This variant was observed in the ICSL laboratory as part of a predisposition screen in an ostensibly healthy population. It had not been previously curated by ICSL or reported in the Human Gene Mutation Database (HGMD: prior to June 1st, 2018), and was therefore a candidate for classification through an automated scoring system. Utilizing variant allele frequency, disease prevalence and penetrance estimates, and inheritance mode, an automated score was calculated to assess if this variant is too frequent to cause the disease. Based on the score and internal cut-off values, a variant classified as benign is not then subjected to further curation. The score for this variant resulted in a classification of benign for this disease.